The following is an entry in ClinVar:

ClinVar aggregate classification (germline): Uncertain significance. Review status: criteria provided, multiple submitters, no conflicts (2 of 4 stars). 5 submissions from 5 submitters: Uncertain significance (5). Last evaluated 2025-08-22.

Conditions:
Catecholaminergic polymorphic ventricular tachycardia (CVPT). Also called: Catecholamine-induced polymorphic ventricular tachycardia. Identifiers: Orphanet 3286, MedGen C5574922, MONDO:0017990.
Catecholaminergic polymorphic ventricular tachycardia 1. Also called: VENTRICULAR TACHYCARDIA, CATECHOLAMINERGIC POLYMORPHIC, 1, WITH OR WITHOUT ATRIAL DYSFUNCTION AND/OR DILATED CARDIOMYOPATHY; VENTRICULAR TACHYCARDIA, STRESS-INDUCED POLYMORPHIC 1; RYR2-Related Catecholaminergic Polymorphic Ventricular Tachycardia. Identifiers: Orphanet 3286, MedGen C1631597, MONDO:0011484, OMIM 604772.
Cardiomyopathy (CMYO). Also called: Cardiomyopathies. Identifiers: Orphanet 167848, MedGen C0878544, MONDO:0004994, HP:0001638. Inheritance: Various modes of inheritance.

Allele frequency attached by ClinVar (database versions not stated): gnomAD exomes below 0.00001; gnomAD 0.00001; TOPMed 0.00001.
gnomAD v4.1: 3 of 1,608,808 alleles (0.00019%); highest among the groups gnomAD compares: Non-Finnish European, 0.00017%; no homozygotes.

Submissions (5):

Color Diagnostics, LLC DBA Color Health
Classification: Uncertain significance for Cardiomyopathy. Last evaluated: 2025-08-22. Review status: criteria provided, single submitter. Criteria: ACMG Guidelines, 2015. Collection method: clinical testing. Allele origin: germline.
Comment: This missense variant replaces aspartic acid with asparagine at codon 2455 of the RYR2 protein. Computational prediction is inconclusive regarding the impact of this variant on protein structure and function. To our knowledge, functional studies have not been reported for this variant. This variant has not been reported in individuals affected with RYR2-related disorders in the literature. This variant has been identified in 1/242194 chromosomes in the general population by the Genome Aggregation Database (gnomAD). The available evidence is insufficient to determine the role of this variant in disease conclusively. Therefore, this variant is classified as a Variant of Uncertain Significance.

Labcorp Genetics (formerly Invitae), Labcorp
Classification: Uncertain significance for Catecholaminergic polymorphic ventricular tachycardia 1. Last evaluated: 2025-01-29. Review status: criteria provided, single submitter. Criteria: Invitae Variant Classification Sherloc (09022015). Collection method: clinical testing. Allele origin: germline.
Comment: This sequence change replaces aspartic acid, which is acidic and polar, with asparagine, which is neutral and polar, at codon 2455 of the RYR2 protein (p.Asp2455Asn). The frequency data for this variant in the population databases is considered unreliable, as metrics indicate poor data quality at this position in the gnomAD database. This variant has not been reported in the literature in individuals affected with RYR2-related conditions. ClinVar contains an entry for this variant (Variation ID: 927134). Invitae Evidence Modeling of protein sequence and biophysical properties (such as structural, functional, and spatial information, amino acid conservation, physicochemical variation, residue mobility, and thermodynamic stability) indicates that this missense variant is expected to disrupt RYR2 protein function with a positive predictive value of 95%. In summary, the available evidence is currently insufficient to determine the role of this variant in disease. Therefore, it has been classified as a Variant of Uncertain Significance.

GeneDx
Classification: Uncertain significance. Last evaluated: 2024-12-23. Review status: criteria provided, single submitter. Criteria: GeneDx Variant Classification Process June 2021. Collection method: clinical testing. Allele origin: germline. Affected: yes.
Comment: Not observed at significant frequency in large population cohorts (gnomAD); In silico analysis supports that this missense variant has a deleterious effect on protein structure/function; Has not been previously published as pathogenic or benign to our knowledge; Located in one of the three hot-spot regions of the RYR2 gene, where the majority of pathogenic missense variants occur (PMID: 19926015); This variant is associated with the following publications: (PMID: 19926015)

All of Us Research Program, National Institutes of Health
Classification: Uncertain significance for Catecholaminergic polymorphic ventricular tachycardia. Last evaluated: 2023-05-16. Review status: criteria provided, single submitter. Criteria: ACMG Guidelines, 2015. Collection method: clinical testing. Allele origin: germline. Inheritance: Autosomal dominant inheritance. Observed: 2 variant alleles, 2 heterozygotes.
Comment: This missense variant replaces aspartic acid with asparagine at codon 2455 of the RYR2 protein. Computational prediction is inconclusive regarding the impact of this variant on protein structure and function (internally defined REVEL score threshold 0.5 < inconclusive < 0.7, PMID: 27666373). Splice site prediction tools suggest that this variant may not impact RNA splicing. To our knowledge, functional studies have not been performed for this variant. This variant has not been reported in individuals affected with cardiovascular disorders in the literature. This variant has been identified in 1/242194 chromosomes in the general population by the Genome Aggregation Database (gnomAD). The available evidence is insufficient to determine the role of this variant in disease conclusively. Therefore, this variant is classified as a Variant of Uncertain Significance.

This study involves interpretation of variants in research participants for the purpose of population health screening. Participant phenotype was not available at the time of variant classification. Additional details can be found in publication PMID: 35346344, PMCID: PMC8962531

AiLife Diagnostics
Classification: Uncertain significance. Last evaluated: 2021-09-29. Review status: criteria provided, single submitter. Criteria: ACMG Guidelines, 2015. Collection method: clinical testing. Allele origin: germline. Affected: yes. Observed: 1 variant allele.

NM_001035.3(RYR2):c.7363G>A (p.Asp2455Asn)

Gene: RYR2 (ryanodine receptor 2; plus strand). Cytogenetic location: 1q43.
Variant type: single nucleotide variant.
Coding change: c.7363G>A on transcript NM_001035.3 (MANE Select); coding-DNA position 7363, G replaced by A.
Protein change: p.Asp2455Asn; replaces aspartic acid 2455 with asparagine.
Molecular consequence: missense variant.
Genome position (GRCh38, 1-based): chr1:237,648,464, G>A. VCF-style: chr1-237648464-G-A. GRCh37 (hg19) VCF-style: chr1-237811764-G-A.
Other names: c.7363G>A (NM_001035.2); short protein forms D2455N.
Identifiers: ClinVar variation 927134 (VCV000927134.9), dbSNP rs956994660, ClinGen allele CA39796510.